The following is an entry in ClinVar:

NM_018706.7(DHTKD1):c.488G>A (p.Arg163Gln)

Gene: DHTKD1 (dehydrogenase E1 and transketolase domain containing 1; plus strand). Cytogenetic location: 10p14.
Variant type: single nucleotide variant.
Coding change: c.488G>A on transcript NM_018706.7 (MANE Select); coding-DNA position 488, G replaced by A.
Protein change: p.Arg163Gln; replaces arginine 163 with glutamine.
Molecular consequence: missense variant.
Genome position (GRCh38, 1-based): chr10:12,084,717, G>A. VCF-style: chr10-12084717-G-A. GRCh37 (hg19) VCF-style: chr10-12126716-G-A.
Other names: c.488G>A (NM_018706.5); short protein forms R163Q.
Identifiers: ClinVar variation 847040 (VCV000847040.43), dbSNP rs78189904, ClinGen allele CA5407544.

ClinVar aggregate classification (germline): Uncertain significance. Review status: criteria provided, multiple submitters, no conflicts (2 of 4 stars). 7 submissions from 7 submitters: Uncertain significance (6). 1 of the submissions does not count toward it. Last evaluated 2026-06-02.

Conditions:
DHTKD1-related disorder. Also called: DHTKD1-related condition.
Tip-toe gait. Also called: Toe walking. Identifiers: MedGen C0427144, HP:0030051.
Inborn genetic diseases. Identifiers: MedGen C0950123, MeSH D030342.
2-aminoadipic 2-oxoadipic aciduria (AAKAD). Also called: ALPHA-AMINOADIPIC AND ALPHA-KETOADIPIC ACIDURIA; Aminoadipic aciduria. Identifiers: Orphanet 79154, MedGen C1859817, MONDO:0008774, OMIM 204750.

Allele frequency attached by ClinVar (database versions not stated): 1000 Genomes Project 30x 0.00016; 1000 Genomes Project 0.00020; ExAC 0.00059; gnomAD exomes 0.00062 and 0.00115; TOPMed 0.00069; gnomAD 0.00073 and 0.00074; ESP Exome Variant Server 0.00077.

Submissions (7):

PreventionGenetics, part of Exact Sciences
Classification: Uncertain significance for DHTKD1-related condition. Last evaluated: 2026-06-02. Review status: criteria provided, single submitter. Criteria: ACMG Guidelines, 2015. Collection method: clinical testing. Allele origin: germline.
Comment: The DHTKD1 c.488G>A variant is predicted to result in the amino acid substitution p.Arg163Gln. This variant has been reported in the heterozygous state in an individual with eosinophilic esophagitis (Sherrill et al. 2018. PubMed ID: 29669943) and in two individuals with amyotrophic lateral sclerosis (ALS; Osmanovic et al. 2021. PubMed ID: 35052424). In vitro experimental studies show conflicting results, with one study suggesting this variant has normal enzymatic activity (Leandro et al. 2020. PubMed ID: 32633484) and another study suggesting this variant decreases enzyme activity to only 4-8% of wild-type controls (Nemeria et al. 2022. PubMed ID: 35897808). This variant is reported in 0.14% of alleles in individuals of European (non-Finnish) descent in gnomAD v4, including two homozygotes. Although we suspect this variant is benign, at this time, the clinical significance of this variant is uncertain due to the absence of conclusive functional and genetic evidence.

Women's Health and Genetics/Laboratory Corporation of America, LabCorp
Classification: Uncertain significance. Last evaluated: 2026-04-14. Review status: criteria provided, single submitter. Criteria: LabCorp Variant Classification Summary - May 2015. Collection method: clinical testing. Allele origin: germline.
Comment: Variant summary: DHTKD1 c.488G>A (p.Arg163Gln) results in a conservative amino acid change in the encoded protein sequence. Algorithms developed to predict the effect of missense changes on protein structure and function are either unavailable or do not agree on the potential impact of this missense change. The variant allele was found at a frequency of 0.00062 in 251482 control chromosomes (gnomAD). This frequency is not significantly higher than estimated for disease-causing variants in DHTKD1, allowing no conclusion about variant significance. c.488G>A has been observed in individuals affected with Amyotrophic lateral sclerosis (Osmanovic_2021). The report does not provide unequivocal conclusions about association of the variant with 2-aminoadipic 2-oxoadipic aciduria. To our knowledge, no experimental evidence demonstrating an impact on protein function has been reported. The following publication have been ascertained in the context of this evaluation (PMID: 35052424). ClinVar contains an entry for this variant (Variation ID: 847040). Based on the evidence outlined above, the variant was classified as uncertain significance.

Labcorp Genetics (formerly Invitae), Labcorp
Classification: Uncertain significance for 2-aminoadipic 2-oxoadipic aciduria. Last evaluated: 2026-01-28. Review status: criteria provided, single submitter. Criteria: Invitae Variant Classification Sherloc (09022015). Collection method: clinical testing. Allele origin: germline.
Comment: This sequence change replaces arginine, which is basic and polar, with glutamine, which is neutral and polar, at codon 163 of the DHTKD1 protein (p.Arg163Gln). This variant is present in population databases (rs78189904, gnomAD 0.1%), and has an allele count higher than expected for a pathogenic variant. This missense change has been observed in individual(s) with Amyotrophic lateral sclerosis (PMID: 35052424). ClinVar contains an entry for this variant (Variation ID: 847040). Invitae Evidence Modeling of protein sequence and biophysical properties (such as structural, functional, and spatial information, amino acid conservation, physicochemical variation, residue mobility, and thermodynamic stability) indicates that this missense variant is not expected to disrupt DHTKD1 protein function with a negative predictive value of 80%. In summary, the available evidence is currently insufficient to determine the role of this variant in disease. Therefore, it has been classified as a Variant of Uncertain Significance.

GeneDx
Classification: Uncertain significance. Last evaluated: 2025-02-06. Review status: criteria provided, single submitter. Criteria: GeneDx Variant Classification Process June 2021. Collection method: clinical testing. Allele origin: germline. Affected: yes.
Comment: Identified in an individual with eosinophilic esophagitis and in two unrelated individuals with amyotrophic lateral sclerosis (PMID: 29669943, 35052424); In vitro functional studies showed R163Q had similar characteristics to wild type (PMID: 32633484); In silico analysis supports that this missense variant does not alter protein structure/function; This variant is associated with the following publications: (PMID: 35052424, 32633484, 29669943)

CeGaT Center for Human Genetics Tuebingen
Classification: Uncertain significance. Last evaluated: 2024-06-01. Review status: criteria provided, single submitter. Criteria: CeGaT Center For Human Genetics Tuebingen Variant Classification Criteria Version 2. Collection method: clinical testing. Allele origin: germline. Affected: yes. Observed: 3 variant alleles.
Comment: DHTKD1: PM2, BP4

Ambry Genetics
Classification: Uncertain significance for Inborn genetic diseases. Last evaluated: 2021-11-24. Review status: criteria provided, single submitter. Criteria: Ambry Variant Classification Scheme 2023. Collection method: clinical testing. Allele origin: germline.

Practice for Gait Abnormalities, David Pomarino, Competency Network Toe Walking C/o Practice Pomarino
Classification: Likely pathogenic for Tip-toe gait. Review status: no assertion criteria provided. Collection method: clinical testing. Allele origin: germline. Affected: yes. Not counted in ClinVar's aggregate classification.
Comment: Hereditary motor sensory neuropathy (HMSN), also known as Charcot-Marie-Tooth Disease (CMT), is the most commonly inherited peripheral polyneuropathy. It constitutes a group of inherited, progressive, motor and sensory peripheral nerve disorders with properties of demyelination, axonal degeneration, or both. It is classified by clinical characteristics, modes of inheritance, electrophysiologic features, metabolic defects, and specific gene markers. Our patients all walk on tiptoe, so they show similar symptoms. When we genetically test them with our toe walking panel, we find that around 90 per cent of them have a genetic variant that explains their toe walking. These can be assigned, for example, to the area of myopathies (such as variants of the COL6A3 gene), the area of hereditary neuropathies (such as variants of the KMT2C gene) or the area of metabolic diseases (such as variants of the PYGM gene). In a smaller group of patients with almost identical symptoms, no abnormality is found in the genes of our panel, but spastic paraplegia can be detected. In another small group of our toe walkers, no abnormalities can be detected in the genes analysed in our toe walking panel, nor do they suffer from spastic paraplegia, as is also the case with healthy children. In contrast to these, however, they show a tiptoe gait. These patients suffer from infantile cerebral palsy, in which toe walking can also be observed.

Literature cited by the submitters: PubMed 35052424 (cited by Women's Health and Genetics/Laboratory Corporation of America, LabCorp and Labcorp Genetics (formerly Invitae), Labcorp); PubMed 37091313 (cited by Practice for Gait Abnormalities, David Pomarino, Competency Network Toe Walking C/o Practice Pomarino).